The following is an entry in ClinVar:

NM_000135.4(FANCA):c.3946G>A (p.Gly1316Arg)

Genes: FANCA (FA complementation group A; minus strand), ZNF276 (zinc finger protein 276; plus strand). Cytogenetic location: 16q24.3.
Variant type: single nucleotide variant.
Coding change: c.3946G>A on transcript NM_000135.4 (MANE Select); coding-DNA position 3946, G replaced by A.
Protein change: p.Gly1316Arg; replaces glycine 1316 with arginine.
Molecular consequence: missense variant. On other transcripts: 3 prime UTR variant (2), non-coding transcript variant (4).
Genome position (GRCh38, 1-based): chr16:89,739,542, C>T on the plus strand (G>A on the coding strand, the complement: FANCA is on the minus strand). VCF-style: chr16-89739542-C-T. GRCh37 (hg19) VCF-style: chr16-89805950-C-T.
Other names: c.3946G>A, p.Gly1316Arg (NM_001286167.3); c.*1296C>T (NM_001113525.2, NM_152287.4); short protein forms G1316R.
Identifiers: ClinVar variation 4022246 (VCV004022246.1).

ClinVar aggregate classification (germline): Uncertain significance (1 of 4 stars; one submission).

Conditions:
Inborn genetic diseases. Identifiers: MedGen C0950123, MeSH D030342.

gnomAD v4.1: 2 of 1,551,264 alleles (0.00013%); highest among the groups gnomAD compares: South Asian, 0.0012%; no homozygotes.

Submission:

Ambry Genetics
Classification: Uncertain significance for Inborn genetic diseases. Last evaluated: 2025-05-07. Review status: criteria provided, single submitter. Criteria: Ambry Variant Classification Scheme 2023. Collection method: clinical testing. Allele origin: germline.
Comment: The p.G1316R variant (also known as c.3946G>A), located in coding exon 40 of the FANCA gene, results from a G to A substitution at nucleotide position 3946. The glycine at codon 1316 is replaced by arginine, an amino acid with dissimilar properties. This amino acid position is conserved. In addition, the in silico prediction for this alteration is inconclusive. Based on the available evidence, the clinical significance of this variant remains unclear.